The following is an entry in ClinVar:

ClinVar aggregate classification (germline): Uncertain significance (1 of 4 stars; one submission).

Submission:

Labcorp Genetics (formerly Invitae), Labcorp
Classification: Uncertain significance. Last evaluated: 2023-12-28. Review status: criteria provided, single submitter. Criteria: Invitae Variant Classification Sherloc (09022015). Collection method: clinical testing. Allele origin: germline.
Comment: This sequence change creates a premature translational stop signal (p.Tyr3814*) in the MACF1 gene. It is expected to result in an absent or disrupted protein product. However, the current clinical and genetic evidence is not sufficient to establish whether loss-of-function variants in MACF1 cause disease. This variant is not present in population databases (gnomAD no frequency). This variant has not been reported in the literature in individuals affected with MACF1-related conditions. In summary, the available evidence is currently insufficient to determine the role of this variant in disease. Therefore, it has been classified as a Variant of Uncertain Significance.

NM_001394062.1(MACF1):c.17628T>G (p.Tyr5876Ter)

Gene: MACF1 (microtubule actin crosslinking factor 1; plus strand). Cytogenetic location: 1p34.3.
Variant type: single nucleotide variant.
Coding change: c.17628T>G on transcript NM_001394062.1 (MANE Select); coding-DNA position 17628, T replaced by G.
Protein change: p.Tyr5876Ter; replaces tyrosine 5876 with a stop codon.
Molecular consequence: nonsense.
Genome position (GRCh38, 1-based): chr1:39,434,476, T>G. VCF-style: chr1-39434476-T-G. GRCh37 (hg19) VCF-style: chr1-39900148-T-G.
Other names: c.5697T>G, p.Tyr1899Ter (NM_001397473.1); c.11442T>G, p.Tyr3814Ter (NM_012090.5); short protein forms Y5876*, Y3814*, Y1899*.
Identifiers: ClinVar variation 2802347 (VCV002802347.3), dbSNP rs149844422, ClinGen allele CA339804473.